The following is an entry in ClinVar:

NM_004525.3(LRP2):c.8384C>G (p.Pro2795Arg)

Gene: LRP2 (LDL receptor related protein 2; minus strand). Cytogenetic location: 2q31.1.
Variant type: single nucleotide variant.
Coding change: c.8384C>G on transcript NM_004525.3 (MANE Select); coding-DNA position 8384, C replaced by G.
Protein change: p.Pro2795Arg; replaces proline 2795 with arginine.
Molecular consequence: missense variant.
Genome position (GRCh38, 1-based): chr2:169,201,696, G>C on the plus strand (C>G on the coding strand, the complement: LRP2 is on the minus strand). VCF-style: chr2-169201696-G-C. GRCh37 (hg19) VCF-style: chr2-170058206-G-C.
Other names: short protein forms P2795R.
Identifiers: ClinVar variation 2506659 (VCV002506659.1), dbSNP rs2545794813, ClinGen allele CA349165317.

ClinVar aggregate classification (germline): Uncertain significance (1 of 4 stars; one submission).

Submission:

GeneDx
Classification: Uncertain significance. Last evaluated: 2022-12-20. Review status: criteria provided, single submitter. Criteria: GeneDx Variant Classification Process June 2021. Collection method: clinical testing. Allele origin: germline. Affected: yes.
Comment: Not observed at significant frequency in large population cohorts (gnomAD); In silico analysis supports that this missense variant has a deleterious effect on protein structure/function; Has not been previously published as pathogenic or benign to our knowledge